The following is an entry in ClinVar:

NM_000179.3(MSH6):c.411C>T (p.Ser137=)

Gene: MSH6 (mutS homolog 6; plus strand). Cytogenetic location: 2p16.3.
Variant type: single nucleotide variant.
Coding change: c.411C>T on transcript NM_000179.3 (MANE Select); coding-DNA position 411, C replaced by T.
Protein change: p.Ser137=; no amino-acid change (serine 137 retained).
Molecular consequence: synonymous variant. On other transcripts: 5 prime UTR variant (7), non-coding transcript variant (5), intron variant (6).
Genome position (GRCh38, 1-based): chr2:47,791,077, C>T. VCF-style: chr2-47791077-C-T. GRCh37 (hg19) VCF-style: chr2-48018216-C-T.
Other names: c.-326C>T (NM_001281493.2, NM_001406811.1, NM_001406823.1 and 1 more transcripts); c.-492C>T (NM_001281494.2); c.507C>T, p.Ser169= (NM_001406795.1, NM_001406802.1); c.411C>T, p.Ser137= (NM_001406796.1, NM_001406798.1, NM_001406800.1 and 6 more transcripts); c.114C>T, p.Ser38= (NM_001406797.1, NM_001406801.1, NM_001406805.1 and 10 more transcripts); c.333C>T, p.Ser111= (NM_001406804.1); c.-518C>T (NM_001406807.1); c.-584C>T (NM_001406814.1); and 5 more.
Identifiers: ClinVar variation 3572003 (VCV003572003.3).

ClinVar aggregate classification (germline): Conflicting classifications of pathogenicity. Review status: criteria provided, conflicting classifications (1 of 4 stars). 3 submissions from 3 submitters: Uncertain significance (1); Benign (1); Likely benign (1). Last evaluated 2025-10-25.

Conditions:
Hereditary cancer-predisposing syndrome. Also called: Hereditary Cancer Syndrome; Hereditary neoplastic syndrome; Tumor predisposition; Neoplastic Syndromes, Hereditary. Identifiers: Orphanet 140162, MedGen C0027672, MeSH D009386, MONDO:0015356.
Lynch syndrome 5 (LYNCH5). Also called: Colorectal cancer, hereditary nonpolyposis, type 5; Hereditary non-polyposis colorectal cancer, type 5. Identifiers: Orphanet 144, MedGen C1833477, MONDO:0013710, OMIM 614350. Disease mechanism: loss of function.

Submissions (3):

Ambry Genetics
Classification: Likely benign for Hereditary cancer-predisposing syndrome. Last evaluated: 2025-10-25. Review status: criteria provided, single submitter. Criteria: Ambry Variant Classification Scheme 2023. Collection method: clinical testing. Allele origin: germline.

Myriad Genetics, Inc.
Classification: Benign for Lynch syndrome 5. Last evaluated: 2024-12-18. Review status: criteria provided, single submitter. Criteria: Myriad Autosomal Dominant, Autosomal Recessive and X-Linked Classification Criteria (2023). Collection method: clinical testing. Allele origin: unknown.
Comment: This variant is considered benign. This variant is a silent/synonymous amino acid change and it is not expected to impact splicing.

Quest Diagnostics Nichols Institute San Juan Capistrano
Classification: Uncertain significance. Last evaluated: 2024-06-09. Review status: criteria provided, single submitter. Criteria: Quest Diagnostics criteria. Collection method: clinical testing. Allele origin: unknown.
Comment: The MSH6 c.411C>T (p.Ser137=) synonymous variant has not been reported in individuals with MSH6-related conditions in the published literature. It also has not been reported in large, multi-ethnic general populations (Genome Aggregation Database). Analysis of this variant using software algorithms for the prediction of the effect of nucleotide changes on splicing yielded predictions that this variant does not affect MSH6 mRNA splicing. Based on the available information, we are unable to determine the clinical significance of this variant.